The following is an entry in ClinVar:

ClinVar aggregate classification (germline): Benign/Likely benign. Review status: criteria provided, multiple submitters, no conflicts (2 of 4 stars). 3 submissions from 3 submitters: Benign (1); Likely benign (1). 1 of the submissions does not count toward it. Last evaluated 2025-11-11.

Conditions:
FBXW7-related disorder. Also called: FBXW7-related condition; FBXW7-related disorders.
Inborn genetic diseases. Identifiers: MedGen C0950123, MeSH D030342.

Allele frequency attached by ClinVar (database versions not stated): gnomAD exomes 0.00002; gnomAD 0.00003; TOPMed 0.00005; ExAC 0.00011.
gnomAD v4.1: 34 of 1,613,704 alleles (0.0021%); highest among the groups gnomAD compares: East Asian, 0.071%; 1 homozygote.

Submissions (3):

Labcorp Genetics (formerly Invitae), Labcorp
Classification: Benign. Last evaluated: 2025-11-11. Review status: criteria provided, single submitter. Criteria: Invitae Variant Classification Sherloc (09022015). Collection method: clinical testing. Allele origin: germline.

Ambry Genetics
Classification: Likely benign for Inborn genetic diseases. Last evaluated: 2020-01-27. Review status: criteria provided, single submitter. Criteria: Ambry Variant Classification Scheme 2023. Collection method: clinical testing. Allele origin: germline.

PreventionGenetics, part of Exact Sciences
Classification: Likely benign for FBXW7-related condition. Last evaluated: 2019-07-10. Review status: no assertion criteria provided. Collection method: clinical testing. Allele origin: germline. Not counted in ClinVar's aggregate classification.
Comment: This variant is classified as likely benign based on ACMG/AMP sequence variant interpretation guidelines (Richards et al. 2015 PMID: 25741868, with internal and published modifications).

NM_001349798.2(FBXW7):c.1911A>G (p.Val637=)

Gene: FBXW7 (F-box and WD repeat domain containing 7; minus strand). Cytogenetic location: 4q31.3.
Variant type: single nucleotide variant.
Coding change: c.1911A>G on transcript NM_001349798.2 (MANE Select); coding-DNA position 1911, A replaced by G.
Protein change: p.Val637=; no amino-acid change (valine 637 retained).
Molecular consequence: synonymous variant.
Genome position (GRCh38, 1-based): chr4:152,323,094, T>C on the plus strand (A>G on the coding strand, the complement: FBXW7 is on the minus strand). VCF-style: chr4-152323094-T-C. GRCh37 (hg19) VCF-style: chr4-153244246-T-C.
Other names: c.1557A>G, p.Val519= (NM_001013415.2); c.1671A>G, p.Val557= (NM_018315.5); c.1911A>G, p.Val637= (NM_033632.3).
Identifiers: ClinVar variation 1782504 (VCV001782504.5), dbSNP rs765315069, ClinGen allele CA3106109.